The following is an entry in ClinVar:

ClinVar aggregate classification (germline): Likely benign. Review status: criteria provided, single submitter (1 of 4 stars). 2 submissions from 2 submitters: Likely benign (1). 1 of the submissions does not count toward it. Last evaluated 2024-04-01.

Conditions:
DHX30-related disorder. Also called: DHX30-related condition.

Allele frequency attached by ClinVar (database versions not stated): gnomAD 0.00002; ExAC 0.00004; TOPMed 0.00008.
gnomAD v4.1: 45 of 1,612,736 alleles (0.0028%); highest among the groups gnomAD compares: Admixed American, 0.013%; no homozygotes.

Submissions (2):

CeGaT Center for Human Genetics Tuebingen
Classification: Likely benign. Last evaluated: 2024-04-01. Review status: criteria provided, single submitter. Criteria: CeGaT Center For Human Genetics Tuebingen Variant Classification Criteria Version 2. Collection method: clinical testing. Allele origin: germline. Affected: yes. Observed: 1 variant allele.
Comment: DHX30: BP4

PreventionGenetics, part of Exact Sciences
Classification: Likely benign for DHX30-related condition. Last evaluated: 2019-03-13. Review status: no assertion criteria provided. Collection method: clinical testing. Allele origin: germline. Not counted in ClinVar's aggregate classification.
Comment: This variant is classified as likely benign based on ACMG/AMP sequence variant interpretation guidelines (Richards et al. 2015 PMID: 25741868, with internal and published modifications).

NM_138615.3(DHX30):c.2895C>T (p.Asn965=)

Gene: DHX30 (DExH-box helicase 30; plus strand). Cytogenetic location: 3p21.31.
Variant type: single nucleotide variant.
Coding change: c.2895C>T on transcript NM_138615.3 (MANE Select); coding-DNA position 2895, C replaced by T.
Protein change: p.Asn965=; no amino-acid change (asparagine 965 retained).
Molecular consequence: synonymous variant.
Genome position (GRCh38, 1-based): chr3:47,849,045, C>T. VCF-style: chr3-47849045-C-T. GRCh37 (hg19) VCF-style: chr3-47890535-C-T.
Other names: c.2811C>T, p.Asn937= (NM_001330990.2); c.2778C>T, p.Asn926= (NM_014966.4).
Identifiers: ClinVar variation 3057335 (VCV003057335.21), dbSNP rs753961518, ClinGen allele CA2370244.